The following is an entry in ClinVar:

NM_006346.4(PIBF1):c.1833+9_1833+13del

Gene: PIBF1 (progesterone immunomodulatory binding factor 1; plus strand). Cytogenetic location: 13q22.1.
Variant type: Deletion.
Coding change: c.1833+9_1833+13del on transcript NM_006346.4 (MANE Select); bases 9 to 13 of the intron after coding-DNA position 1833, 5 bases deleted (CTTAA; older notation c.1833+9_1833+13delCTTAA).
Molecular consequence: intron variant.
Genome position (GRCh38, 1-based): chr13:72,931,276-72,931,280, CTTAA deleted; deleting any 5 consecutive bases within chr13:72,931,273-72,931,280 gives the same sequence; the c. name uses the placement nearest the transcript's 3' end. VCF-style (leftmost placement, unchanged base first): chr13-72931272-ATAACT-A. GRCh37 (hg19) VCF-style: chr13-73505410-ATAACT-A.
Other names: c.1920+9_1920+13del (NM_001349655.2).
Identifiers: ClinVar variation 3031726 (VCV003031726.2), dbSNP rs369631616, ClinGen allele CA7002407.

ClinVar aggregate classification (germline): Likely benign (0 of 4 stars; one submission).

Conditions:
PIBF1-related disorder. Also called: PIBF1-related condition.

Submission:

PreventionGenetics, part of Exact Sciences
Classification: Likely benign for PIBF1-related condition. Last evaluated: 2021-10-29. Review status: no assertion criteria provided. Collection method: clinical testing. Allele origin: germline.
Comment: This variant is classified as likely benign based on ACMG/AMP sequence variant interpretation guidelines (Richards et al. 2015 PMID: 25741868, with internal and published modifications).